The following is an entry in ClinVar:

NM_005876.5(SPEG):c.4870G>A (p.Gly1624Ser)

Gene: SPEG (striated muscle enriched protein kinase; plus strand). Cytogenetic location: 2q35.
Variant type: single nucleotide variant.
Coding change: c.4870G>A on transcript NM_005876.5 (MANE Select); coding-DNA position 4870, G replaced by A.
Protein change: p.Gly1624Ser; replaces glycine 1624 with serine.
Molecular consequence: missense variant.
Genome position (GRCh38, 1-based): chr2:219,477,948, G>A. VCF-style: chr2-219477948-G-A. GRCh37 (hg19) VCF-style: chr2-220342670-G-A.
Other names: short protein forms G1624S.
Identifiers: ClinVar variation 1460889 (VCV001460889.3), dbSNP rs748367615, ClinGen allele CA2126663.

ClinVar aggregate classification (germline): Uncertain significance (1 of 4 stars; one submission).

Allele frequency attached by ClinVar (database versions not stated): ExAC 0.00002.

Submission:

Labcorp Genetics (formerly Invitae), Labcorp
Classification: Uncertain significance. Last evaluated: 2021-08-24. Review status: criteria provided, single submitter. Criteria: Invitae Variant Classification Sherloc (09022015). Collection method: clinical testing. Allele origin: germline.
Comment: This sequence change replaces glycine with serine at codon 1624 of the SPEG protein (p.Gly1624Ser). The glycine residue is highly conserved and there is a small physicochemical difference between glycine and serine. This variant is present in population databases (rs748367615, ExAC 0.01%). This variant has not been reported in the literature in individuals affected with SPEG-related conditions. Algorithms developed to predict the effect of missense changes on protein structure and function are either unavailable or do not agree on the potential impact of this missense change (SIFT: "Tolerated"; PolyPhen-2: "Probably Damaging"; Align-GVGD: "Class C0"). In summary, the available evidence is currently insufficient to determine the role of this variant in disease. Therefore, it has been classified as a Variant of Uncertain Significance.